The following is an entry in ClinVar:

ClinVar aggregate classification (germline): Uncertain significance. Review status: criteria provided, multiple submitters, no conflicts (2 of 4 stars). 2 submissions from 2 submitters: Uncertain significance (2). Last evaluated 2024-03-20.

Allele frequency attached by ClinVar (database versions not stated): TOPMed 0.00003; ExAC 0.00008; gnomAD 0.00008; 1000 Genomes Project 30x 0.00016; 1000 Genomes Project 0.00020.
gnomAD v4.1: 59 of 1,611,948 alleles (0.0037%); highest among the groups gnomAD compares: South Asian, 0.031%; no homozygotes.

Submissions (2):

Labcorp Genetics (formerly Invitae), Labcorp
Classification: Uncertain significance. Last evaluated: 2024-03-20. Review status: criteria provided, single submitter. Criteria: Invitae Variant Classification Sherloc (09022015). Collection method: clinical testing. Allele origin: germline.
Comment: This sequence change replaces arginine, which is basic and polar, with histidine, which is basic and polar, at codon 1890 of the MYH7B protein (p.Arg1890His). The frequency data for this variant in the population databases is considered unreliable, as metrics indicate poor data quality at this position in the gnomAD database. This variant has not been reported in the literature in individuals affected with MYH7B-related conditions. ClinVar contains an entry for this variant (Variation ID: 2191237). Advanced modeling of protein sequence and biophysical properties (such as structural, functional, and spatial information, amino acid conservation, physicochemical variation, residue mobility, and thermodynamic stability) has been performed at Invitae for this missense variant, however the output from this modeling did not meet the statistical confidence thresholds required to predict the impact of this variant on MYH7B protein function. In summary, the available evidence is currently insufficient to determine the role of this variant in disease. Therefore, it has been classified as a Variant of Uncertain Significance.

Ambry Genetics
Classification: Uncertain significance. Last evaluated: 2023-06-06. Review status: criteria provided, single submitter. Criteria: Ambry Variant Classification Scheme 2023. Collection method: clinical testing. Allele origin: germline.

NM_020884.7(MYH7B):c.5543G>A (p.Arg1848His)

Gene: MYH7B (myosin heavy chain 7B; plus strand). Cytogenetic location: 20q11.22.
Variant type: single nucleotide variant.
Coding change: c.5543G>A on transcript NM_020884.7 (MANE Select); coding-DNA position 5543, G replaced by A.
Protein change: p.Arg1848His; replaces arginine 1848 with histidine.
Molecular consequence: missense variant.
Genome position (GRCh38, 1-based): chr20:35,001,312, G>A. VCF-style: chr20-35001312-G-A. GRCh37 (hg19) VCF-style: chr20-33589115-G-A.
Other names: c.5669G>A (NM_020884.3); short protein forms R1848H.
Identifiers: ClinVar variation 2191237 (VCV002191237.6), dbSNP rs202196308, ClinGen allele CA9828619.